The following is an entry in ClinVar:

ClinVar aggregate classification (germline): Uncertain significance (1 of 4 stars; one submission).

Conditions:
Early Myoclonic Encephalopathy. Identifiers: MedGen C0270855.

Submission:

Labcorp Genetics (formerly Invitae), Labcorp
Classification: Uncertain significance for Early Myoclonic Encephalopathy. Last evaluated: 2021-09-21. Review status: criteria provided, single submitter. Criteria: Invitae Variant Classification Sherloc (09022015). Collection method: clinical testing. Allele origin: germline.
Comment: This sequence change replaces serine with proline at codon 1429 of the JMJD1C protein (p.Ser1429Pro). The serine residue is weakly conserved and there is a moderate physicochemical difference between serine and proline. This variant is not present in population databases (ExAC no frequency). This variant has not been reported in the literature in individuals affected with JMJD1C-related conditions. Algorithms developed to predict the effect of missense changes on protein structure and function output the following: SIFT: "Tolerated"; PolyPhen-2: "Benign"; Align-GVGD: "Class C0". The proline amino acid residue is found in multiple mammalian species, which suggests that this missense change does not adversely affect protein function. In summary, the available evidence is currently insufficient to determine the role of this variant in disease. Therefore, it has been classified as a Variant of Uncertain Significance.

NM_032776.3(JMJD1C):c.4285T>C (p.Ser1429Pro)

Gene: JMJD1C (jumonji domain containing 1C; minus strand). Cytogenetic location: 10q21.3.
Variant type: single nucleotide variant.
Coding change: c.4285T>C on transcript NM_032776.3 (MANE Select); coding-DNA position 4285, T replaced by C.
Protein change: p.Ser1429Pro; replaces serine 1429 with proline.
Molecular consequence: missense variant. On other transcripts: non-coding transcript variant (1).
Genome position (GRCh38, 1-based): chr10:63,207,384, A>G on the plus strand (T>C on the coding strand, the complement: JMJD1C is on the minus strand). VCF-style: chr10-63207384-A-G. GRCh37 (hg19) VCF-style: chr10-64967144-A-G.
Other names: c.3739T>C, p.Ser1247Pro (NM_001282948.2, NM_001318154.2); c.3421T>C, p.Ser1141Pro (NM_001318153.2); c.4171T>C, p.Ser1391Pro (NM_001322252.2); c.3628T>C, p.Ser1210Pro (NM_001322254.2, NM_001322258.2); short protein forms S1141P, S1210P, S1247P, S1391P, S1429P.
Identifiers: ClinVar variation 1492132 (VCV001492132.6), dbSNP rs1564606174, ClinGen allele CA377038111.